The following is an entry in ClinVar:

ClinVar aggregate classification (germline): Pathogenic (1 of 4 stars; one submission).

Conditions:
Myofibrillar myopathy 5. Also called: FILAMINOPATHY, AUTOSOMAL DOMINANT; Filaminopathy (type). Identifiers: Orphanet 171445, MedGen C1836050, MONDO:0012289, OMIM 609524.
Distal myopathy with posterior leg and anterior hand involvement. Also called: WILLIAMS DISTAL MYOPATHY. Identifiers: Orphanet 63273, MedGen C3279722, MONDO:0013550, OMIM 614065.
Hypertrophic cardiomyopathy 26. Also called: Cardiomyopathy, familial hypertrophic, 26. Identifiers: Orphanet 75249, MedGen C4310749, MONDO:0014883, OMIM 617047.

Submission:

Labcorp Genetics (formerly Invitae), Labcorp
Classification: Pathogenic for Distal myopathy with posterior leg and anterior hand involvement; Myofibrillar myopathy 5; Hypertrophic cardiomyopathy 26. Last evaluated: 2021-06-16. Review status: criteria provided, single submitter. Criteria: Invitae Variant Classification Sherloc (09022015). Collection method: clinical testing. Allele origin: germline.
Comment: For these reasons, this variant has been classified as Pathogenic. This variant has not been reported in the literature in individuals with FLNC-related conditions. This variant is not present in population databases (ExAC no frequency). This sequence change creates a premature translational stop signal (p.Gly265Valfs*9) in the FLNC gene. It is expected to result in an absent or disrupted protein product. Loss-of-function variants in FLNC are known to be pathogenic (PMID: 27908349).

Literature cited by the submitters: PubMed 27908349.

NM_001458.5(FLNC):c.794del (p.Gly265fs)

Gene: FLNC (filamin C; plus strand). Cytogenetic location: 7q32.1.
Variant type: Deletion.
Coding change: c.794del on transcript NM_001458.5 (MANE Select); coding-DNA position 794, one base deleted (G; older notation c.794delG).
Protein change: p.Gly265fs; shifts the reading frame from glycine 265.
Molecular consequence: frameshift variant.
Genome position (GRCh38, 1-based): chr7:128,837,492, G deleted; the last of 2 consecutive G bases (chr7:128,837,491-128,837,492); deleting either gives the same sequence. VCF-style (leftmost placement, unchanged base first): chr7-128837490-TG-T. GRCh37 (hg19) VCF-style: chr7-128477544-TG-T.
Other names: c.794del, p.Gly265fs (NM_001127487.2); short protein forms G265fs.
Identifiers: ClinVar variation 1439237 (VCV001439237.6), dbSNP rs2128934191, ClinGen allele CA2573141756.